The following is an entry in ClinVar:

NM_014231.5(VAMP1):c.58G>A (p.Gly20Ser)

Genes: TAPBPL (TAP binding protein like; plus strand), VAMP1 (vesicle associated membrane protein 1; minus strand). Cytogenetic location: 12p13.31.
Variant type: single nucleotide variant.
Coding change: c.58G>A on transcript NM_014231.5 (MANE Select); coding-DNA position 58, G replaced by A.
Protein change: p.Gly20Ser; replaces glycine 20 with serine.
Molecular consequence: missense variant.
Genome position (GRCh38, 1-based): chr12:6,466,296, C>T on the plus strand (G>A on the coding strand, the complement: VAMP1 is on the minus strand). VCF-style: chr12-6466296-C-T. GRCh37 (hg19) VCF-style: chr12-6575462-C-T.
Other names: c.58G>A, p.Gly20Ser (NM_001297438.2, NM_016830.4, NM_199245.3); short protein forms G20S.
Identifiers: ClinVar variation 1436836 (VCV001436836.6), dbSNP rs1950023147, ClinGen allele CA383559699.

ClinVar aggregate classification (germline): Uncertain significance (1 of 4 stars; one submission).

Conditions:
Spastic paraplegia. Identifiers: MedGen C0037772, HP:0001258.

Allele frequency attached by ClinVar (database versions not stated): TOPMed below 0.00001.

Submission:

Labcorp Genetics (formerly Invitae), Labcorp
Classification: Uncertain significance for Spastic paraplegia. Last evaluated: 2022-07-26. Review status: criteria provided, single submitter. Criteria: Invitae Variant Classification Sherloc (09022015). Collection method: clinical testing. Allele origin: germline.
Comment: This sequence change replaces glycine, which is neutral and non-polar, with serine, which is neutral and polar, at codon 20 of the VAMP1 protein (p.Gly20Ser). This variant is not present in population databases (gnomAD no frequency). This variant has not been reported in the literature in individuals affected with VAMP1-related conditions. ClinVar contains an entry for this variant (Variation ID: 1436836). Algorithms developed to predict the effect of missense changes on protein structure and function are either unavailable or do not agree on the potential impact of this missense change (SIFT: "Tolerated"; PolyPhen-2: "Probably Damaging"; Align-GVGD: "Class C0"). In summary, the available evidence is currently insufficient to determine the role of this variant in disease. Therefore, it has been classified as a Variant of Uncertain Significance.